The following is an entry in ClinVar:

ClinVar aggregate classification (germline): Uncertain significance. Review status: criteria provided, multiple submitters, no conflicts (2 of 4 stars). 2 submissions from 2 submitters: Uncertain significance (2). Last evaluated 2023-03-25.

Conditions:
Hereditary cancer-predisposing syndrome. Also called: Tumor predisposition; Hereditary neoplastic syndrome; Hereditary Cancer Syndrome; Neoplastic Syndromes, Hereditary. Identifiers: Orphanet 140162, MedGen C0027672, MeSH D009386, MONDO:0015356.

Submissions (2):

Ambry Genetics
Classification: Uncertain significance for Hereditary cancer-predisposing syndrome. Last evaluated: 2023-03-25. Review status: criteria provided, single submitter. Criteria: Ambry Variant Classification Scheme 2023. Collection method: clinical testing. Allele origin: germline.
Comment: The p.H955R variant (also known as c.2864A>G), located in coding exon 18 of the RAD50 gene, results from an A to G substitution at nucleotide position 2864. The histidine at codon 955 is replaced by arginine, an amino acid with highly similar properties. This amino acid position is conserved. In addition, this alteration is predicted to be tolerated by in silico analysis. Since supporting evidence is limited at this time, the clinical significance of this alteration remains unclear.

Labcorp Genetics (formerly Invitae), Labcorp
Classification: Uncertain significance for Hereditary cancer-predisposing syndrome. Last evaluated: 2020-11-24. Review status: criteria provided, single submitter. Criteria: Invitae Variant Classification Sherloc (09022015). Collection method: clinical testing. Allele origin: germline.
Comment: This variant has not been reported in the literature in individuals with RAD50-related conditions. Algorithms developed to predict the effect of missense changes on protein structure and function (SIFT, PolyPhen-2, Align-GVGD) all suggest that this variant is likely to be tolerated, but these predictions have not been confirmed by published functional studies and their clinical significance is uncertain. In summary, the available evidence is currently insufficient to determine the role of this variant in disease. Therefore, it has been classified as a Variant of Uncertain Significance. This sequence change replaces histidine with arginine at codon 955 of the RAD50 protein (p.His955Arg). The histidine residue is weakly conserved and there is a small physicochemical difference between histidine and arginine. This variant is not present in population databases (ExAC no frequency).

NM_005732.4(RAD50):c.2864A>G (p.His955Arg)

Gene: RAD50 (RAD50 double strand break repair protein; plus strand). Cytogenetic location: 5q31.1.
Variant type: single nucleotide variant.
Coding change: c.2864A>G on transcript NM_005732.4 (MANE Select); coding-DNA position 2864, A replaced by G.
Protein change: p.His955Arg; replaces histidine 955 with arginine.
Molecular consequence: missense variant.
Genome position (GRCh38, 1-based): chr5:132,609,151, A>G. VCF-style: chr5-132609151-A-G. GRCh37 (hg19) VCF-style: chr5-131944843-A-G.
Other names: c.2864A>G (NM_005732.3); short protein forms H955R.
Identifiers: ClinVar variation 1465640 (VCV001465640.9), dbSNP rs1581004640, ClinGen allele CA360959590.